The following is an entry in ClinVar:

ClinVar aggregate classification (germline): Uncertain significance. Review status: criteria provided, multiple submitters, no conflicts (2 of 4 stars). 2 submissions from 2 submitters: Uncertain significance (2). Last evaluated 2025-08-18.

Conditions:
Inborn genetic diseases. Identifiers: MedGen C0950123, MeSH D030342.

gnomAD v4.1: 2 of 1,612,806 alleles (0.00012%); highest among the groups gnomAD compares: African/African-American, 0.0013%; no homozygotes.

Submissions (2):

Labcorp Genetics (formerly Invitae), Labcorp
Classification: Uncertain significance. Last evaluated: 2025-08-18. Review status: criteria provided, single submitter. Criteria: Invitae Variant Classification Sherloc (09022015). Collection method: clinical testing. Allele origin: germline.
Comment: This sequence change replaces proline, which is neutral and non-polar, with arginine, which is basic and polar, at codon 437 of the COL9A3 protein (p.Pro437Arg). This variant is not present in population databases (gnomAD no frequency). This variant has not been reported in the literature in individuals affected with COL9A3-related conditions. ClinVar contains an entry for this variant (Variation ID: 3147837). Invitae Evidence Modeling of protein sequence and biophysical properties (such as structural, functional, and spatial information, amino acid conservation, physicochemical variation, residue mobility, and thermodynamic stability) indicates that this missense variant is not expected to disrupt COL9A3 protein function with a negative predictive value of 95%. In summary, the available evidence is currently insufficient to determine the role of this variant in disease. Therefore, it has been classified as a Variant of Uncertain Significance.

Ambry Genetics
Classification: Uncertain significance for Inborn genetic diseases. Last evaluated: 2023-12-21. Review status: criteria provided, single submitter. Criteria: Ambry Variant Classification Scheme 2023. Collection method: clinical testing. Allele origin: germline.

NM_001853.4(COL9A3):c.1310C>G (p.Pro437Arg)

Gene: COL9A3 (collagen type IX alpha 3 chain; plus strand). Cytogenetic location: 20q13.33.
Variant type: single nucleotide variant.
Coding change: c.1310C>G on transcript NM_001853.4 (MANE Select); coding-DNA position 1310, C replaced by G.
Protein change: p.Pro437Arg; replaces proline 437 with arginine.
Molecular consequence: missense variant.
Genome position (GRCh38, 1-based): chr20:62,832,176, C>G. VCF-style: chr20-62832176-C-G. GRCh37 (hg19) VCF-style: chr20-61463528-C-G.
Other names: short protein forms P437R.
Identifiers: ClinVar variation 3147837 (VCV003147837.2), dbSNP rs1481425628, ClinGen allele CA409596000.